The following is an entry in ClinVar:

ClinVar aggregate classification (germline): Conflicting classifications of pathogenicity. Review status: criteria provided, conflicting classifications (1 of 4 stars). 5 submissions from 5 submitters: Uncertain significance (4); Likely benign (1). Last evaluated 2026-02-01.

Conditions:
Inborn genetic diseases. Identifiers: MedGen C0950123, MeSH D030342.

Allele frequency attached by ClinVar (database versions not stated): gnomAD 0.00003; gnomAD exomes 0.00003 and 0.00014; ExAC 0.00009; TOPMed 0.00010; 1000 Genomes Project 30x 0.00016; 1000 Genomes Project 0.00020.
gnomAD v4.1: 48 of 1,614,130 alleles (0.003%); highest among the groups gnomAD compares: Admixed American, 0.062%; 1 homozygote.

Submissions (5):

Labcorp Genetics (formerly Invitae), Labcorp
Classification: Likely benign. Last evaluated: 2026-02-01. Review status: criteria provided, single submitter. Criteria: Invitae Variant Classification Sherloc (09022015). Collection method: clinical testing. Allele origin: germline.

GeneDx
Classification: Uncertain significance. Last evaluated: 2025-07-16. Review status: criteria provided, single submitter. Criteria: GeneDx Variant Classification Process June 2021. Collection method: clinical testing. Allele origin: germline. Affected: yes.
Comment: In silico analysis supports that this missense variant has a deleterious effect on protein structure/function; Has not been previously published as pathogenic or benign to our knowledge

Ambry Genetics
Classification: Uncertain significance for Inborn genetic diseases. Last evaluated: 2024-01-03. Review status: criteria provided, single submitter. Criteria: Ambry Variant Classification Scheme 2023. Collection method: clinical testing. Allele origin: germline.

Blueprint Genetics
Classification: Uncertain significance. Last evaluated: 2022-07-27. Review status: criteria provided, single submitter. Criteria: ACMG Guidelines, 2015. Collection method: clinical testing. Allele origin: germline.

Laboratory for Molecular Medicine, Mass General Brigham Personalized Medicine
Classification: Uncertain significance. Last evaluated: 2017-06-22. Review status: criteria provided, single submitter. Criteria: LMM Criteria. Collection method: clinical testing. Allele origin: germline. Observed: 2 variant alleles.
Comment: The p.Leu1397Arg variant in COL11A2 has not been previously reported in individu als with hearing loss, but has been identified in 27/33578 Latino chromosomes by the Genome Aggregation Database (gnomAD; dbSN P rs571981688). Although this variant has been seen in the general population, i ts frequency is not high enough to rule out a pathogenic role. Computational pre diction tools and conservation analysis suggest that the p.Leu1397Arg variant ma y impact the protein, though this information is not predictive enough to determ ine pathogenicity. In summary, the clinical significance of the p.Leu1397Arg var iant is uncertain.

NM_080680.3(COL11A2):c.4190T>G (p.Leu1397Arg)

Gene: COL11A2 (collagen type XI alpha 2 chain; minus strand). Cytogenetic location: 6p21.32.
Variant type: single nucleotide variant.
Coding change: c.4190T>G on transcript NM_080680.3 (MANE Select); coding-DNA position 4190, T replaced by G.
Protein change: p.Leu1397Arg; replaces leucine 1397 with arginine.
Molecular consequence: missense variant.
Genome position (GRCh38, 1-based): chr6:33,167,110, A>C on the plus strand (T>G on the coding strand, the complement: COL11A2 is on the minus strand). VCF-style: chr6-33167110-A-C. GRCh37 (hg19) VCF-style: chr6-33134887-A-C.
Other names: c.3869T>G, p.Leu1290Arg (NM_080679.3); c.3932T>G, p.Leu1311Arg (NM_080681.3); short protein forms L1397R, L1311R, L1290R.
Identifiers: ClinVar variation 505775 (VCV000505775.21), dbSNP rs571981688, ClinGen allele CA3750187.